The following is an entry in ClinVar:

NM_206933.4(USH2A):c.5739G>T (p.Glu1913Asp)

Genes: USH2A (usherin; minus strand), USH2A-AS2 (USH2A antisense RNA 2; plus strand). Cytogenetic location: 1q41.
Variant type: single nucleotide variant.
Coding change: c.5739G>T on transcript NM_206933.4 (MANE Select); coding-DNA position 5739, G replaced by T.
Protein change: p.Glu1913Asp; replaces glutamic acid 1913 with aspartic acid.
Molecular consequence: missense variant.
Genome position (GRCh38, 1-based): chr1:216,073,134, C>A on the plus strand (G>T on the coding strand, the complement: USH2A is on the minus strand). VCF-style: chr1-216073134-C-A. GRCh37 (hg19) VCF-style: chr1-216246476-C-A.
Other names: short protein forms E1913D.
Identifiers: ClinVar variation 1056603 (VCV001056603.6), dbSNP rs41277216, ClinGen allele CA344854104.
Genomic context (GRCh38, chr1:216,073,134, plus strand): 5'-AATTTAGAGGACCTCCACATTACCTGTAAAAGGCTGGAGACCACCCTCGTAAACACTCTG[C>A]TCTTTTCCCTGGTAAACCAGGATGGAGTCATTTCCCCTGCAGTTAACAGCACTGTCAGTT-3'
Protein context (NP_996816.3, residues 1903-1923): NDSILVYQGK[Glu1913Asp]QSVYEGGLQP

ClinVar aggregate classification (germline): Uncertain significance (1 of 4 stars; one submission).

gnomAD v4.1: 2 of 1,613,894 alleles (0.00012%); highest among the groups gnomAD compares: South Asian, 0.0022%; no homozygotes.

Submission:

Labcorp Genetics (formerly Invitae), Labcorp
Classification: Uncertain significance. Last evaluated: 2022-02-05. Review status: criteria provided, single submitter. Criteria: Invitae Variant Classification Sherloc (09022015). Collection method: clinical testing. Allele origin: germline.
Comment: This sequence change replaces glutamic acid, which is acidic and polar, with aspartic acid, which is acidic and polar, at codon 1913 of the USH2A protein (p.Glu1913Asp). This variant is not present in population databases (gnomAD no frequency). This variant has not been reported in the literature in individuals affected with USH2A-related conditions. ClinVar contains an entry for this variant (Variation ID: 1056603). Algorithms developed to predict the effect of missense changes on protein structure and function (SIFT, PolyPhen-2, Align-GVGD) all suggest that this variant is likely to be tolerated. In summary, the available evidence is currently insufficient to determine the role of this variant in disease. Therefore, it has been classified as a Variant of Uncertain Significance.